The following is an entry in ClinVar:

NM_001371395.1(USP53):c.108del (p.Gly37fs)

Gene: USP53 (ubiquitin specific peptidase 53; plus strand). Cytogenetic location: 4q26.
Variant type: Deletion.
Coding change: c.108del on transcript NM_001371395.1 (MANE Select); coding-DNA position 108, one base deleted (A; older notation c.108delA).
Protein change: p.Gly37fs; shifts the reading frame from glycine 37.
Molecular consequence: frameshift variant. On other transcripts: intron variant (6).
Genome position (GRCh38, 1-based): chr4:119,239,867, A deleted. VCF-style (leftmost placement, unchanged base first): chr4-119239866-CA-C. GRCh37 (hg19) VCF-style: chr4-120161021-CA-C.
Other names: c.108del, p.Gly37fs (NM_001371396.1, NM_001371397.1, NM_001371398.1 and 6 more transcripts); c.-204-5470del (NM_001389663.1, NM_001389667.1, NM_001389662.1 and 2 more transcripts); c.-205+4456del (NM_001389664.1); short protein forms G37fs.
Identifiers: ClinVar variation 2054558 (VCV002054558.4), dbSNP rs1465690691, ClinGen allele CA554151297.

ClinVar aggregate classification (germline): Pathogenic (1 of 4 stars; one submission).

Allele frequency attached by ClinVar (database versions not stated): gnomAD exomes below 0.00001; TOPMed 0.00005; gnomAD 0.00009.

Submission:

Labcorp Genetics (formerly Invitae), Labcorp
Classification: Pathogenic. Last evaluated: 2022-05-27. Review status: criteria provided, single submitter. Criteria: Invitae Variant Classification Sherloc (09022015). Collection method: clinical testing. Allele origin: germline.
Comment: This sequence change creates a premature translational stop signal (p.Gly37Aspfs*27) in the USP53 gene. It is expected to result in an absent or disrupted protein product. Loss-of-function variants in USP53 are known to be pathogenic (PMID: 32124521, 32759993). This variant is present in population databases (no rsID available, gnomAD 0.009%). This variant has not been reported in the literature in individuals affected with USP53-related conditions. For these reasons, this variant has been classified as Pathogenic.

Literature cited by the submitters: PubMed 32124521; PubMed 32759993.